The following is an entry in ClinVar:

ClinVar aggregate classification (germline): not provided (0 of 4 stars; one submission).

Allele frequency attached by ClinVar (database versions not stated): TOPMed 0.00003; gnomAD 0.00004 and 0.00008; gnomAD exomes 0.00009 and 0.00013; ExAC 0.00017; 1000 Genomes Project 30x 0.00031; 1000 Genomes Project 0.00040.
gnomAD v4.1: 140 of 1,614,174 alleles (0.0087%); highest among the groups gnomAD compares: East Asian, 0.29%; no homozygotes.

Submission:

Human Evolutionary Genetics, Institut Pasteur
No classification provided. Review status: no classification provided. Collection method: not provided. Allele origin: germline.
ClinVar note: Converted during submission from untested to not provided.

NM_001282144.2(NLRX1):c.914G>A (p.Arg305His)

Gene: NLRX1 (NLR family member X1; plus strand). Cytogenetic location: 11q23.3.
Variant type: single nucleotide variant.
Coding change: c.914G>A on transcript NM_001282144.2 (MANE Select); coding-DNA position 914, G replaced by A.
Protein change: p.Arg305His; replaces arginine 305 with histidine.
Molecular consequence: missense variant.
Genome position (GRCh38, 1-based): chr11:119,174,517, G>A. VCF-style: chr11-119174517-G-A. GRCh37 (hg19) VCF-style: chr11-119045226-G-A.
Other names: c.914G>A, p.Arg305His (NM_001282143.2, NM_001282358.2, NM_024618.4); short protein forms R305H.
Identifiers: ClinVar variation 103149 (VCV000103149.2), dbSNP rs199476043, ClinGen allele CA230189.